The following is an entry in ClinVar:

ClinVar aggregate classification (germline): Likely benign (0 of 4 stars; one submission).

Conditions:
PTRHD1-related disorder. Also called: PTRHD1-related condition.

Allele frequency attached by ClinVar (database versions not stated): ExAC 0.00007; gnomAD 0.00027; ESP Exome Variant Server 0.00031; TOPMed 0.00035.
gnomAD v4.1: 130 of 1,613,918 alleles (0.0081%); highest among the groups gnomAD compares: African/African-American, 0.12%; no homozygotes.

Submission:

PreventionGenetics, part of Exact Sciences
Classification: Likely benign for PTRHD1-related condition. Last evaluated: 2020-01-28. Review status: no assertion criteria provided. Collection method: clinical testing. Allele origin: germline.
Comment: This variant is classified as likely benign based on ACMG/AMP sequence variant interpretation guidelines (Richards et al. 2015 PMID: 25741868, with internal and published modifications).

NM_001013663.2(PTRHD1):c.285C>T (p.Ala95=)

Gene: PTRHD1 (peptidyl-tRNA hydrolase domain containing 1; minus strand). Cytogenetic location: 2p23.3.
Variant type: single nucleotide variant.
Coding change: c.285C>T on transcript NM_001013663.2 (MANE Select); coding-DNA position 285, C replaced by T.
Protein change: p.Ala95=; no amino-acid change (alanine 95 retained).
Molecular consequence: synonymous variant.
Genome position (GRCh38, 1-based): chr2:24,790,549, G>A on the plus strand (C>T on the coding strand, the complement: PTRHD1 is on the minus strand). VCF-style: chr2-24790549-G-A. GRCh37 (hg19) VCF-style: chr2-25013418-G-A.
Identifiers: ClinVar variation 3051293 (VCV003051293.2), dbSNP rs149361405, ClinGen allele CA1552907.
Genomic context (GRCh38, chr2:24,790,549, plus strand): 5'-GATATTCTCTGGTTGCTCAAGCCACAGCATGTGGTCAATGTTCTTCTGTTGCAGGGTCTC[G>A]GCCAGCTCCTTTAGGGTGGTCTCATCTGGGGCCTAAAGGAGAAGAACACAGAACACAAAC-3'
Protein context (NP_001013685.1, residues 85-105): APDETTLKEL[Ala95=]ETLQQKNIDH